The following is an entry in ClinVar:

ClinVar aggregate classification (germline): Uncertain significance. Review status: criteria provided, multiple submitters, no conflicts (2 of 4 stars). 2 submissions from 2 submitters: Uncertain significance (2). Last evaluated 2024-11-10.

Conditions:
Cardiovascular phenotype. Identifiers: MedGen CN230736.
Progressive familial heart block type IB (PFHB1B). Identifiers: Orphanet 871, MedGen C1970298, MONDO:0011474, OMIM 604559.

Allele frequency attached by ClinVar (database versions not stated): TOPMed 0.00001.
gnomAD v4.1: 3 of 1,607,576 alleles (0.00019%); highest among the groups gnomAD compares: Non-Finnish European, 0.00017%; no homozygotes.

Submissions (2):

Labcorp Genetics (formerly Invitae), Labcorp
Classification: Uncertain significance for Progressive familial heart block type IB. Last evaluated: 2024-11-10. Review status: criteria provided, single submitter. Criteria: Invitae Variant Classification Sherloc (09022015). Collection method: clinical testing. Allele origin: germline.
Comment: This sequence change replaces valine, which is neutral and non-polar, with leucine, which is neutral and non-polar, at codon 143 of the TRPM4 protein (p.Val143Leu). This variant is not present in population databases (gnomAD no frequency). This variant has not been reported in the literature in individuals affected with TRPM4-related conditions. ClinVar contains an entry for this variant (Variation ID: 1739337). An algorithm developed to predict the effect of missense changes on protein structure and function (PolyPhen-2) suggests that this variant is likely to be disruptive. In summary, the available evidence is currently insufficient to determine the role of this variant in disease. Therefore, it has been classified as a Variant of Uncertain Significance.

Ambry Genetics
Classification: Uncertain significance for Cardiovascular phenotype. Last evaluated: 2024-05-27. Review status: criteria provided, single submitter. Criteria: Ambry Variant Classification Scheme 2023. Collection method: clinical testing. Allele origin: germline.
Comment: The p.V143L variant (also known as c.427G>C), located in coding exon 4 of the TRPM4 gene, results from a G to C substitution at nucleotide position 427. The valine at codon 143 is replaced by leucine, an amino acid with highly similar properties. This amino acid position is well conserved in available vertebrate species. In addition, this alteration is predicted to be tolerated by in silico analysis. Since supporting evidence is limited at this time, the clinical significance of this alteration remains unclear.

NM_017636.4(TRPM4):c.427G>C (p.Val143Leu)

Gene: TRPM4 (transient receptor potential cation channel subfamily M member 4; plus strand). Cytogenetic location: 19q13.33.
Variant type: single nucleotide variant.
Coding change: c.427G>C on transcript NM_017636.4 (MANE Select); coding-DNA position 427, G replaced by C.
Protein change: p.Val143Leu; replaces valine 143 with leucine.
Molecular consequence: missense variant. On other transcripts: intron variant (4).
Genome position (GRCh38, 1-based): chr19:49,168,076, G>C. VCF-style: chr19-49168076-G-C. GRCh37 (hg19) VCF-style: chr19-49671333-G-C.
Other names: c.427G>C, p.Val143Leu (NM_001195227.2); c.-1105-184G>C (NM_001321282.2); c.268-477G>C (NM_001321281.2); c.-74-184G>C (NM_001321283.2); c.-237-477G>C (NM_001321285.2); short protein forms V143L.
Identifiers: ClinVar variation 1739337 (VCV001739337.5), dbSNP rs1434254178, ClinGen allele CA406790647.
Genomic context (GRCh38, chr19:49,168,076, plus strand): 5'-GGGGGATCGGGGGGCCCCGTCCTCCAGACCTGGCTGCAGGACCTGCTGCGTCGTGGGCTG[G>C]TGCGGGCTGCCCAGAGCACAGGTGACCGAGGGTGGGTGGGGGCTGTCTCCTGGGCCTCGG-3'
Protein context (NP_060106.2, residues 133-153): WLQDLLRRGL[Val143Leu]RAAQSTGAWI